The following is an entry in ClinVar:

NM_033402.5(LRRCC1):c.2372T>C (p.Ile791Thr)

Gene: LRRCC1 (leucine rich repeat and coiled-coil centrosomal protein 1; plus strand). Cytogenetic location: 8q21.2.
Variant type: single nucleotide variant.
Coding change: c.2372T>C on transcript NM_033402.5 (MANE Select); coding-DNA position 2372, T replaced by C.
Protein change: p.Ile791Thr; replaces isoleucine 791 with threonine.
Molecular consequence: missense variant.
Genome position (GRCh38, 1-based): chr8:85,137,506, T>C. VCF-style: chr8-85137506-T-C. GRCh37 (hg19) VCF-style: chr8-86049741-T-C.
Other names: c.2372T>C (NM_033402.4); c.2093T>C, p.Ile698Thr (NM_001349636.2); c.1946T>C, p.Ile649Thr (NM_001349637.2); c.1475T>C, p.Ile492Thr (NM_001349638.2); c.1235T>C, p.Ile412Thr (NM_001349639.2); short protein forms I791T, I698T, I412T, I492T, I649T.
Identifiers: ClinVar variation 2045462 (VCV002045462.5), dbSNP rs199789826, ClinGen allele CA4794916.

ClinVar aggregate classification (germline): Uncertain significance. Review status: criteria provided, multiple submitters, no conflicts (2 of 4 stars). 2 submissions from 2 submitters: Uncertain significance (2). Last evaluated 2025-03-27.

Allele frequency attached by ClinVar (database versions not stated): gnomAD 0.00060; gnomAD exomes 0.00017; ESP Exome Variant Server 0.00059; 1000 Genomes Project 0.00020; ExAC 0.00042; 1000 Genomes Project 30x 0.00016; TOPMed 0.00062.
gnomAD v4.1: 337 of 1,560,878 alleles (0.022%); highest among the groups gnomAD compares: African/African-American, 0.16%; 1 homozygote.

Submissions (2):

Ambry Genetics
Classification: Uncertain significance. Last evaluated: 2025-03-27. Review status: criteria provided, single submitter. Criteria: Ambry Variant Classification Scheme 2023. Collection method: clinical testing. Allele origin: germline.

Labcorp Genetics (formerly Invitae), Labcorp
Classification: Uncertain significance. Last evaluated: 2023-10-13. Review status: criteria provided, single submitter. Criteria: Invitae Variant Classification Sherloc (09022015). Collection method: clinical testing. Allele origin: germline.
Comment: This sequence change replaces isoleucine, which is neutral and non-polar, with threonine, which is neutral and polar, at codon 791 of the LRRCC1 protein (p.Ile791Thr). This variant is present in population databases (rs199789826, gnomAD 0.2%), and has an allele count higher than expected for a pathogenic variant. This variant has not been reported in the literature in individuals affected with LRRCC1-related conditions. ClinVar contains an entry for this variant (Variation ID: 2045462). An algorithm developed to predict the effect of missense changes on protein structure and function (PolyPhen-2) suggests that this variant is likely to be disruptive. In summary, the available evidence is currently insufficient to determine the role of this variant in disease. Therefore, it has been classified as a Variant of Uncertain Significance.